The following is an entry in ClinVar:

ClinVar aggregate classification (germline): Uncertain significance. Review status: criteria provided, multiple submitters, no conflicts (2 of 4 stars). 2 submissions from 2 submitters: Uncertain significance (2). Last evaluated 2024-02-24.

Conditions:
Autosomal recessive ataxia, Beauce type. Also called: ATAXIA, RECESSIVE, OF BEAUCE; Spinocerebellar ataxia, autosomal recessive 8; SYNE1-Related Autosomal Recessive Cerebellar Ataxia; SYNE1 Deficiency. Identifiers: Orphanet 88644, MedGen C1853116, MONDO:0012549, OMIM 610743.
Emery-Dreifuss muscular dystrophy 4, autosomal dominant (EDMD4). Also called: EMERY-DREIFUSS MUSCULAR DYSTROPHY 4 WITH VARIABLE FEATURES. Identifiers: Orphanet 261, MedGen C2751807, MONDO:0013071, OMIM 612998.

Allele frequency attached by ClinVar (database versions not stated): gnomAD exomes below 0.00001.
gnomAD v4.1: 1 of 1,613,968 alleles (0.000062%); highest among the groups gnomAD compares: Non-Finnish European, 0.000085%; no homozygotes.

Submissions (2):

Labcorp Genetics (formerly Invitae), Labcorp
Classification: Uncertain significance for Emery-Dreifuss muscular dystrophy 4, autosomal dominant; Autosomal recessive ataxia, Beauce type. Last evaluated: 2024-02-24. Review status: criteria provided, single submitter. Criteria: Invitae Variant Classification Sherloc (09022015). Collection method: clinical testing. Allele origin: germline.
Comment: This sequence change replaces leucine, which is neutral and non-polar, with phenylalanine, which is neutral and non-polar, at codon 5315 of the SYNE1 protein (p.Leu5315Phe). This variant is not present in population databases (gnomAD no frequency). This variant has not been reported in the literature in individuals affected with SYNE1-related conditions. ClinVar contains an entry for this variant (Variation ID: 995284). An algorithm developed to predict the effect of missense changes on protein structure and function (PolyPhen-2) suggests that this variant is likely to be tolerated. In summary, the available evidence is currently insufficient to determine the role of this variant in disease. Therefore, it has been classified as a Variant of Uncertain Significance.

Athena Diagnostics
Classification: Uncertain significance. Last evaluated: 2020-02-18. Review status: criteria provided, single submitter. Criteria: Athena Diagnostics Criteria. Collection method: clinical testing. Allele origin: unknown.

NM_182961.4(SYNE1):c.16158A>T (p.Leu5386Phe)

Gene: SYNE1 (spectrin repeat containing nuclear envelope protein 1; minus strand). Cytogenetic location: 6q25.2.
Variant type: single nucleotide variant.
Coding change: c.16158A>T on transcript NM_182961.4 (MANE Select); coding-DNA position 16158, A replaced by T.
Protein change: p.Leu5386Phe; replaces leucine 5386 with phenylalanine.
Molecular consequence: missense variant.
Genome position (GRCh38, 1-based): chr6:152,321,316, T>A on the plus strand (A>T on the coding strand, the complement: SYNE1 is on the minus strand). VCF-style: chr6-152321316-T-A. GRCh37 (hg19) VCF-style: chr6-152642451-T-A.
Other names: c.15945A>T, p.Leu5315Phe (NM_033071.5); short protein forms L5315F, L5386F.
Identifiers: ClinVar variation 995284 (VCV000995284.6), dbSNP rs942561370, ClinGen allele CA150213999.